The following is an entry in ClinVar:

NM_015166.4(MLC1):c.489del (p.Ala164fs)

Gene: MLC1 (modulator of VRAC current 1; minus strand). Cytogenetic location: 22q13.33.
Variant type: Deletion.
Coding change: c.489del on transcript NM_015166.4 (MANE Select); coding-DNA position 489, one base deleted (T; older notation c.489delT).
Protein change: p.Ala164fs; shifts the reading frame from alanine 164.
Molecular consequence: frameshift variant. On other transcripts: non-coding transcript variant (3).
Genome position (GRCh38, 1-based): chr22:50,077,437, A deleted on the plus strand (T on the coding strand, the reverse complement: MLC1 is on the minus strand). VCF-style (leftmost placement, unchanged base first): chr22-50077436-CA-C. GRCh37 (hg19) VCF-style: chr22-50515865-CA-C.
Other names: c.489del, p.Ala164fs (NM_001376472.1, NM_001376473.1, NM_001376474.1 and 6 more transcripts); c.399del, p.Ala134fs (NM_001376480.1); c.387del, p.Ala130fs (NM_001376481.1); c.333del, p.Ala112fs (NM_001376482.1, NM_001376483.1); c.252del, p.Ala85fs (NM_001376484.1); short protein forms A112fs, A130fs, A134fs, A164fs, A85fs.
Identifiers: ClinVar variation 5012471 (VCV005012471.1).

ClinVar aggregate classification (germline): Pathogenic (1 of 4 stars; one submission).

Conditions:
Megalencephalic leukoencephalopathy with subcortical cysts 1 (MLC1). Also called: LEUKOENCEPHALOPATHY WITH SWELLING AND CYSTS; VACUOLATING MEGALENCEPHALIC LEUKOENCEPHALOPATHY WITH SUBCORTICAL CYSTS. Identifiers: Orphanet 2478, MedGen C5779875, MONDO:0024555, OMIM 604004.

Submission:

Myriad Genetics, Inc.
Classification: Pathogenic for Megalencephalic leukoencephalopathy with subcortical cysts 1. Last evaluated: 2023-11-11. Review status: criteria provided, single submitter. Criteria: Myriad Autosomal Dominant, Autosomal Recessive and X-Linked Classification Criteria (2023). Collection method: clinical testing. Allele origin: unknown.
Comment: NM_015166.3(MLC1):c.489delT(A164Hfs*32) is expected to be pathogenic in the context of megalencephalic leukoencephalopathy with subcortical cysts. This variant is predicted to lead to an abnormal or absent protein product due to the creation of a premature termination codon in MLC1, a gene where loss-of-function variants are known to be pathogenic. Please note: this variant was assessed in the context of healthy population screening.